The following is an entry in ClinVar:

ClinVar aggregate classification (germline): Uncertain significance (1 of 4 stars; one submission).

Allele frequency attached by ClinVar (database versions not stated): ExAC 0.00002; gnomAD 0.00002; TOPMed 0.00003.
gnomAD v4.1: 52 of 1,614,030 alleles (0.0032%); highest among the groups gnomAD compares: Non-Finnish European, 0.0039%; no homozygotes.

Submission:

Labcorp Genetics (formerly Invitae), Labcorp
Classification: Uncertain significance. Last evaluated: 2025-10-12. Review status: criteria provided, single submitter. Criteria: Invitae Variant Classification Sherloc (09022015). Collection method: clinical testing. Allele origin: germline.
Comment: This sequence change replaces threonine, which is neutral and polar, with alanine, which is neutral and non-polar, at codon 639 of the LAMB1 protein (p.Thr639Ala). This variant is present in population databases (rs200875581, gnomAD 0.01%). This variant has not been reported in the literature in individuals affected with LAMB1-related conditions. ClinVar contains an entry for this variant (Variation ID: 1383571). An algorithm developed to predict the effect of missense changes on protein structure and function outputs the following: PolyPhen-2: "Benign". The alanine amino acid residue is found in multiple mammalian species, which suggests that this missense change does not adversely affect protein function. In summary, the available evidence is currently insufficient to determine the role of this variant in disease. Therefore, it has been classified as a Variant of Uncertain Significance.

NM_002291.3(LAMB1):c.1915A>G (p.Thr639Ala)

Gene: LAMB1 (laminin subunit beta 1; minus strand). Cytogenetic location: 7q31.1.
Variant type: single nucleotide variant.
Coding change: c.1915A>G on transcript NM_002291.3 (MANE Select); coding-DNA position 1915, A replaced by G.
Protein change: p.Thr639Ala; replaces threonine 639 with alanine.
Molecular consequence: missense variant.
Genome position (GRCh38, 1-based): chr7:107,961,619, T>C on the plus strand (A>G on the coding strand, the complement: LAMB1 is on the minus strand). VCF-style: chr7-107961619-T-C. GRCh37 (hg19) VCF-style: chr7-107602064-T-C.
Other names: short protein forms T639A.
Identifiers: ClinVar variation 1383571 (VCV001383571.6), dbSNP rs200875581, ClinGen allele CA4435828.